The following is an entry in ClinVar:

ClinVar aggregate classification (germline): Conflicting classifications of pathogenicity. Review status: criteria provided, conflicting classifications (1 of 4 stars). 3 submissions from 3 submitters: Uncertain significance (2); Likely benign (1). Last evaluated 2025-11-23.

Conditions:
Familial cold autoinflammatory syndrome 3 (FCAS3). Also called: FAMILIAL ATYPICAL COLD URTICARIA; ANTIBODY DEFICIENCY AND IMMUNE DYSREGULATION, PLCG2-ASSOCIATED. Identifiers: Orphanet 300359, MedGen C3280914, MONDO:0013766, OMIM 614468.
PLCG2-related disorder. Also called: PLCG2-related condition.

Allele frequency attached by ClinVar (database versions not stated): ESP Exome Variant Server 0.00008; gnomAD exomes 0.00010 and 0.00012; ExAC 0.00012; TOPMed 0.00013; gnomAD 0.00016.
gnomAD v4.1: 209 of 1,614,194 alleles (0.013%); highest among the groups gnomAD compares: Middle Eastern, 0.049%; no homozygotes.

Submissions (3):

Labcorp Genetics (formerly Invitae), Labcorp
Classification: Uncertain significance for Familial cold autoinflammatory syndrome 3. Last evaluated: 2025-11-23. Review status: criteria provided, single submitter. Criteria: Invitae Variant Classification Sherloc (09022015). Collection method: clinical testing. Allele origin: germline.
Comment: This sequence change replaces valine, which is neutral and non-polar, with isoleucine, which is neutral and non-polar, at codon 985 of the PLCG2 protein (p.Val985Ile). This variant is present in population databases (rs199840870, gnomAD 0.04%). This missense change has been observed in individual(s) with common variable immunodeficiency (PMID: 29921932). ClinVar contains an entry for this variant (Variation ID: 864018). An algorithm developed to predict the effect of missense changes on protein structure and function outputs the following: PolyPhen-2: "Benign". The isoleucine amino acid residue is found in multiple mammalian species, which suggests that this missense change does not adversely affect protein function. In summary, the available evidence is currently insufficient to determine the role of this variant in disease. Therefore, it has been classified as a Variant of Uncertain Significance.

PreventionGenetics, part of Exact Sciences
Classification: Uncertain significance for PLCG2-related condition. Last evaluated: 2025-11-06. Review status: criteria provided, single submitter. Criteria: ACMG Guidelines, 2015. Collection method: clinical testing. Allele origin: germline.
Comment: The PLCG2 c.2953G>A variant is predicted to result in the amino acid substitution p.Val985Ile. This variant has been reported in the heterozygous state in an individual with primary antibody deficiency (Table S4, Abolhassani et al. 2019. PubMed ID: 29921932). This variant is reported in 0.039% of alleles in individuals of Ashkenazi Jewish descent in gnomAD, which may be too common to be causative. Although we suspect that this variant may be benign, at this time, the clinical significance of this variant is uncertain due to the absence of conclusive functional and genetic evidence.

Mayo Clinic Laboratories, Mayo Clinic
Classification: Likely benign. Last evaluated: 2024-07-23. Review status: criteria provided, single submitter. Criteria: ACMG Guidelines, 2015. Collection method: clinical testing. Allele origin: germline. Observed: 3 variant alleles.

Literature cited by the submitters: PubMed 29921932 (cited by Labcorp Genetics (formerly Invitae), Labcorp).

NM_002661.5(PLCG2):c.2953G>A (p.Val985Ile)

Gene: PLCG2 (phospholipase C gamma 2; plus strand). Cytogenetic location: 16q23.3.
Variant type: single nucleotide variant.
Coding change: c.2953G>A on transcript NM_002661.5 (MANE Select); coding-DNA position 2953, G replaced by A.
Protein change: p.Val985Ile; replaces valine 985 with isoleucine.
Molecular consequence: missense variant.
Genome position (GRCh38, 1-based): chr16:81,936,279, G>A. VCF-style: chr16-81936279-G-A. GRCh37 (hg19) VCF-style: chr16-81969884-G-A.
Other names: p.Val985Ile; short protein forms V985I.
Identifiers: ClinVar variation 864018 (VCV000864018.12), dbSNP rs199840870, ClinGen allele CA8194493.